The following is an entry in ClinVar:

ClinVar aggregate classification (germline): Uncertain significance. Review status: reviewed by expert panel (3 of 4 stars). 4 submissions from 4 submitters: Uncertain significance (1). 3 of the submissions do not count toward it. Last evaluated 2026-11-03.

Conditions:
Hereditary cancer-predisposing syndrome. Also called: Tumor predisposition; Hereditary Cancer Syndrome; Hereditary neoplastic syndrome; Neoplastic Syndromes, Hereditary. Identifiers: Orphanet 140162, MedGen C0027672, MeSH D009386, MONDO:0015356.
DICER1-related tumor predisposition. Also called: DICER1 syndrome; DICER1-related pleuropulmonary blastoma cancer predisposition syndrome. Identifiers: Orphanet 284343, MedGen C3839822, MONDO:0100216.

Allele frequency attached by ClinVar (database versions not stated): gnomAD 0.00001; TOPMed 0.00001; gnomAD exomes 0.00003 and 0.00002; ExAC 0.00005.
gnomAD v4.1: 13 of 1,614,038 alleles (0.00081%); highest among the groups gnomAD compares: Non-Finnish European, 0.0011%; no homozygotes.

Submissions (4):

ClinGen DICER1 and miRNA-Processing Gene Variant Curation Expert Panel, ClinGen
Classification: Uncertain significance for DICER1-related tumor predisposition. Last evaluated: 2026-11-03. Review status: reviewed by expert panel. Criteria: ClinGen DICER1 and miRNA-Processing Gene Expert Panel Specifications to the ACMG/AMP Variant Interpretation Guidelines for DICER1 Version 1.4. Collection method: curation. Allele origin: germline. Inheritance: Autosomal dominant inheritance.
Comment: The NM_177438.3:c.1792G>A variant in DICER1 is a missense variant predicted to cause substitution of glutamic acid by lysine at amino acid 598 (p.Glu598Lys). Although this variant has been observed in individuals undergoing genetic sequencing, to our knowledge, this variant has not been reported in individuals with DICER1-related tumor predisposition (PS4 not met; Internal lab contributors). The total allele frequency in gnomAD v4.1.1 is 0.000008054 (13/1614038 alleles) with a highest population minor allele frequency of 0.00001102 (13/1180028 alleles) in European (non-Finnish) population (PM2_Supporting, BS1, and BA1 are not met). In silico tools predict no damaging impact of the variant on protein function (REVEL: 0.126; MaxEntScan and SpliceAI: no effect on splicing) (BP4). In summary, this variant meets the criteria to be classified as Uncertain Significance for DICER1-related tumor predisposition based on the ACMG/AMP criteria applied, as specified by the ClinGen DICER1 VCEP: BP4. (VCEP specifications version 1.4.0). Based on Tavtigian et al 2020 (PMID:32720330), the total points applied = -1, which equates to a classification of VUS.

Labcorp Genetics (formerly Invitae), Labcorp
Classification: Uncertain significance for DICER1-related tumor predisposition. Last evaluated: 2026-01-05. Review status: criteria provided, single submitter. Criteria: Invitae Variant Classification Sherloc (09022015). Collection method: clinical testing. Allele origin: germline. Not counted in ClinVar's aggregate classification.
Comment: This sequence change replaces glutamic acid, which is acidic and polar, with lysine, which is basic and polar, at codon 598 of the DICER1 protein (p.Glu598Lys). This variant is present in population databases (rs753796042, gnomAD 0.006%). This variant has not been reported in the literature in individuals affected with DICER1-related conditions. ClinVar contains an entry for this variant (Variation ID: 664199). Invitae Evidence Modeling of protein sequence and biophysical properties (such as structural, functional, and spatial information, amino acid conservation, physicochemical variation, residue mobility, and thermodynamic stability) indicates that this missense variant is not expected to disrupt DICER1 protein function with a negative predictive value of 95%. In summary, the available evidence is currently insufficient to determine the role of this variant in disease. Therefore, it has been classified as a Variant of Uncertain Significance.

Ambry Genetics
Classification: Uncertain significance for Hereditary cancer-predisposing syndrome. Last evaluated: 2025-05-19. Review status: criteria provided, single submitter. Criteria: Ambry Variant Classification Scheme 2023. Collection method: clinical testing. Allele origin: germline. Not counted in ClinVar's aggregate classification.
Comment: The p.E598K variant (also known as c.1792G>A), located in coding exon 10 of the DICER1 gene, results from a G to A substitution at nucleotide position 1792. The glutamic acid at codon 598 is replaced by lysine, an amino acid with similar properties. This amino acid position is well conserved in available vertebrate species. In addition, this alteration is predicted to be tolerated by in silico analysis. Since supporting evidence is limited at this time, the clinical significance of this alteration remains unclear.

GeneDx
Classification: Uncertain significance. Last evaluated: 2022-10-19. Review status: criteria provided, single submitter. Criteria: GeneDx Variant Classification Process June 2021. Collection method: clinical testing. Allele origin: germline. Affected: yes. Not counted in ClinVar's aggregate classification.
Comment: In silico analysis supports that this missense variant does not alter protein structure/function; Has not been previously published as pathogenic or benign to our knowledge

NM_177438.3(DICER1):c.1792G>A (p.Glu598Lys)

Gene: DICER1 (dicer 1, ribonuclease III; minus strand). Cytogenetic location: 14q32.13.
Variant type: single nucleotide variant.
Coding change: c.1792G>A on transcript NM_177438.3 (MANE Select); coding-DNA position 1792, G replaced by A.
Protein change: p.Glu598Lys; replaces glutamic acid 598 with lysine.
Molecular consequence: missense variant.
Genome position (GRCh38, 1-based): chr14:95,115,782, C>T on the plus strand (G>A on the coding strand, the complement: DICER1 is on the minus strand). VCF-style: chr14-95115782-C-T. GRCh37 (hg19) VCF-style: chr14-95582119-C-T.
Other names: NM_177438.3(DICER1):c.1792G>A; p.Glu598Lys; c.1792G>A, p.Glu598Lys (NM_001195573.1, NM_001271282.3, NM_001291628.2 and 1 more transcripts); short protein forms E598K.
Identifiers: ClinVar variation 664199 (VCV000664199.17), dbSNP rs753796042, ClinGen allele CA7331399.